The following is an entry in ClinVar:

NM_000430.4(PAFAH1B1):c.33-2550C>T

Gene: PAFAH1B1 (platelet activating factor acetylhydrolase 1b regulatory subunit 1; plus strand). Cytogenetic location: 17p13.3.
Variant type: single nucleotide variant.
Coding change: c.33-2550C>T on transcript NM_000430.4 (MANE Select); 2550 bases into the intron before coding-DNA position 33, C replaced by T.
Molecular consequence: intron variant.
Genome position (GRCh38, 1-based): chr17:2,662,822, C>T. VCF-style: chr17-2662822-C-T. GRCh37 (hg19) VCF-style: chr17-2566116-C-T.
Identifiers: ClinVar variation 3389122 (VCV003389122.14).

ClinVar aggregate classification (germline): Benign (1 of 4 stars; one submission).

gnomAD v4.1: 25 of 152,188 alleles (0.016%); highest among the groups gnomAD compares: East Asian, 0.48%; no homozygotes.

Submission:

CeGaT Center for Human Genetics Tuebingen
Classification: Benign. Last evaluated: 2024-11-01. Review status: criteria provided, single submitter. Criteria: CeGaT Center For Human Genetics Tuebingen Variant Classification Criteria Version 2. Collection method: clinical testing. Allele origin: germline. Affected: yes. Observed: 1 variant allele.
Comment: PAFAH1B1: PP2, BS1, BS2